The following is an entry in ClinVar:

NM_000094.4(COL7A1):c.5980-3C>A

Gene: COL7A1 (collagen type VII alpha 1 chain; minus strand). Cytogenetic location: 3p21.31.
Variant type: single nucleotide variant.
Coding change: c.5980-3C>A on transcript NM_000094.4 (MANE Select); 3 bases into the intron before coding-DNA position 5980, C replaced by A.
Molecular consequence: intron variant.
Genome position (GRCh38, 1-based): chr3:48,575,542, G>T on the plus strand (C>A on the coding strand, the complement: COL7A1 is on the minus strand). VCF-style: chr3-48575542-G-T. GRCh37 (hg19) VCF-style: chr3-48612975-G-T.
Identifiers: ClinVar variation 4727776 (VCV004727776.1).

ClinVar aggregate classification (germline): Uncertain significance (1 of 4 stars; one submission).

Submission:

Labcorp Genetics (formerly Invitae), Labcorp
Classification: Uncertain significance. Last evaluated: 2025-09-29. Review status: criteria provided, single submitter. Criteria: Invitae Variant Classification Sherloc (09022015). Collection method: clinical testing. Allele origin: germline.
Comment: This sequence change falls in intron 72 of the COL7A1 gene. It does not directly change the encoded amino acid sequence of the COL7A1 protein. It affects a nucleotide within the consensus splice site. This variant is not present in population databases (gnomAD no frequency). This variant has not been reported in the literature in individuals affected with COL7A1-related conditions. Variants that disrupt the consensus splice site are a relatively common cause of aberrant splicing (PMID: 17576681, 9536098). Algorithms developed to predict the effect of sequence changes on RNA splicing suggest that this variant may disrupt the consensus splice site. In summary, the available evidence is currently insufficient to determine the role of this variant in disease. Therefore, it has been classified as a Variant of Uncertain Significance.

Literature cited by the submitters: PubMed 17576681; PubMed 9536098.